The following is an entry in ClinVar:

NM_000215.4(JAK3):c.2350+5C>T

Gene: JAK3 (Janus kinase 3; minus strand). Cytogenetic location: 19p13.11.
Variant type: single nucleotide variant.
Coding change: c.2350+5C>T on transcript NM_000215.4 (MANE Select); 5 bases into the intron after coding-DNA position 2350, C replaced by T.
Molecular consequence: intron variant.
Genome position (GRCh38, 1-based): chr19:17,834,566, G>A on the plus strand (C>T on the coding strand, the complement: JAK3 is on the minus strand). VCF-style: chr19-17834566-G-A. GRCh37 (hg19) VCF-style: chr19-17945375-G-A.
Identifiers: ClinVar variation 1379761 (VCV001379761.6), dbSNP rs2147681249, ClinGen allele CA2573156184.

ClinVar aggregate classification (germline): Uncertain significance (1 of 4 stars; one submission).

Conditions:
T-B+ severe combined immunodeficiency due to JAK3 deficiency. Also called: SCID, T CELL-NEGATIVE, B CELL-POSITIVE, NK CELL-NEGATIVE; SCID, autosomal recessive, T-negative/B-positive type. Identifiers: Orphanet 35078, MedGen C1833275, MONDO:0010938, OMIM 600802.

Submission:

Labcorp Genetics (formerly Invitae), Labcorp
Classification: Uncertain significance for T-B+ severe combined immunodeficiency due to JAK3 deficiency. Last evaluated: 2021-03-19. Review status: criteria provided, single submitter. Criteria: Invitae Variant Classification Sherloc (09022015). Collection method: clinical testing. Allele origin: germline.
Comment: This sequence change falls in intron 17 of the JAK3 gene. It does not directly change the encoded amino acid sequence of the JAK3 protein. It affects a nucleotide within the consensus splice site of the intron. In summary, the available evidence is currently insufficient to determine the role of this variant in disease. Therefore, it has been classified as a Variant of Uncertain Significance. Nucleotide substitutions within the consensus splice site are a relatively common cause of aberrant splicing (PMID: 17576681, 9536098). Algorithms developed to predict the effect of sequence changes on RNA splicing suggest that this variant may disrupt the consensus splice site, but this prediction has not been confirmed by published transcriptional studies. This variant has not been reported in the literature in individuals with JAK3-related conditions. This variant is not present in population databases (ExAC no frequency).

Literature cited by the submitters: PubMed 17576681; PubMed 9536098.